The following is an entry in ClinVar:

NM_021625.5(TRPV4):c.85dup (p.Glu29fs)

Gene: TRPV4 (transient receptor potential cation channel subfamily V member 4; minus strand). Cytogenetic location: 12q24.11.
Variant type: Duplication.
Coding change: c.85dup on transcript NM_021625.5 (MANE Select); coding-DNA position 85, one base duplicated (G; older notation c.85dupG).
Protein change: p.Glu29fs; shifts the reading frame from glutamic acid 29.
Molecular consequence: frameshift variant. On other transcripts: intron variant (1).
Genome position (GRCh38, 1-based): chr12:109,814,712, C duplicated on the plus strand (G on the coding strand, the reverse complement: TRPV4 is on the minus strand); the first of 4 consecutive C bases (chr12:109,814,712-109,814,715); duplicating any one gives the same sequence. VCF-style (leftmost placement, unchanged base first): chr12-109814711-T-TC. GRCh37 (hg19) VCF-style: chr12-110252516-T-TC.
Other names: c.82dup, p.Glu29Glyfs (NM_001177428.2, NM_001177433.2, NM_147204.3); c.79+6dup (NM_001177431.1); short protein forms E29fs.
Identifiers: ClinVar variation 4797878 (VCV004797878.1).

ClinVar aggregate classification (germline): Uncertain significance (1 of 4 stars; one submission).

Conditions:
Charcot-Marie-Tooth disease axonal type 2C (HMSN2C). Also called: Charcot-Marie-Tooth Neuropathy Type 2C; CHARCOT-MARIE-TOOTH DISEASE, AXONAL, AUTOSOMAL DOMINANT, TYPE 2C; Charcot-Marie-Tooth Disease Type 2, TRPV4-Related (CMT2C). Identifiers: Orphanet 99937, MedGen C1853710, MONDO:0011633, OMIM 606071.

Submission:

Labcorp Genetics (formerly Invitae), Labcorp
Classification: Uncertain significance for Charcot-Marie-Tooth disease axonal type 2C. Last evaluated: 2025-04-29. Review status: criteria provided, single submitter. Criteria: Invitae Variant Classification Sherloc (09022015). Collection method: clinical testing. Allele origin: germline.
Comment: This sequence change creates a premature translational stop signal (p.Glu29Glyfs*13) in the TRPV4 gene. It is expected to result in an absent or disrupted protein product. However, the current clinical and genetic evidence is not sufficient to establish whether loss-of-function variants in TRPV4 cause disease. This variant is not present in population databases (gnomAD no frequency). This variant has not been reported in the literature in individuals affected with TRPV4-related conditions. In summary, the available evidence is currently insufficient to determine the role of this variant in disease. Therefore, it has been classified as a Variant of Uncertain Significance.